The following is an entry in ClinVar:

ClinVar aggregate classification (germline): Uncertain significance. Review status: criteria provided, multiple submitters, no conflicts (2 of 4 stars). 3 submissions from 3 submitters: Uncertain significance (3). Last evaluated 2025-10-15.

Conditions:
Hereditary cancer-predisposing syndrome. Also called: Tumor predisposition; Neoplastic Syndromes, Hereditary; Hereditary Cancer Syndrome; Hereditary neoplastic syndrome. Identifiers: Orphanet 140162, MedGen C0027672, MeSH D009386, MONDO:0015356.
Fanconi anemia complementation group J. Also called: BRIP1-Related Fanconi Anemia. Identifiers: Orphanet 84, MedGen C1836860, MONDO:0012187, OMIM 609054.
Familial cancer of breast. Also called: BREAST CANCER, FAMILIAL; Hereditary breast cancer; hereditary breast carcinoma. Identifiers: Orphanet 227535, MedGen C0346153, MONDO:0016419, OMIM 114480. Disease mechanism: loss of function.

Submissions (3):

Labcorp Genetics (formerly Invitae), Labcorp
Classification: Uncertain significance for Familial cancer of breast; Fanconi anemia complementation group J. Last evaluated: 2025-10-15. Review status: criteria provided, single submitter. Criteria: Invitae Variant Classification Sherloc (09022015). Collection method: clinical testing. Allele origin: germline.
Comment: This sequence change replaces alanine, which is neutral and non-polar, with valine, which is neutral and non-polar, at codon 1019 of the BRIP1 protein (p.Ala1019Val). This variant is not present in population databases (gnomAD no frequency). This variant has not been reported in the literature in individuals affected with BRIP1-related conditions. ClinVar contains an entry for this variant (Variation ID: 479420). Invitae Evidence Modeling of protein sequence and biophysical properties (such as structural, functional, and spatial information, amino acid conservation, physicochemical variation, residue mobility, and thermodynamic stability) indicates that this missense variant is not expected to disrupt BRIP1 protein function with a negative predictive value of 95%. In summary, the available evidence is currently insufficient to determine the role of this variant in disease. Therefore, it has been classified as a Variant of Uncertain Significance.

Ambry Genetics
Classification: Uncertain significance for Hereditary cancer-predisposing syndrome. Last evaluated: 2024-12-09. Review status: criteria provided, single submitter. Criteria: Ambry Variant Classification Scheme 2023. Collection method: clinical testing. Allele origin: germline.
Comment: The p.A1019V variant (also known as c.3056C>T), located in coding exon 19 of the BRIP1 gene, results from a C to T substitution at nucleotide position 3056. The alanine at codon 1019 is replaced by valine, an amino acid with similar properties. This amino acid position is poorly conserved however, valine is a reference amino acid in several species. In addition, this alteration is predicted to be tolerated by in silico analysis. Since supporting evidence is limited at this time, the clinical significance of this alteration remains unclear.

Color Diagnostics, LLC DBA Color Health
Classification: Uncertain significance for Hereditary cancer-predisposing syndrome. Last evaluated: 2024-04-09. Review status: criteria provided, single submitter. Criteria: ACMG Guidelines, 2015. Collection method: clinical testing. Allele origin: germline.
Comment: This missense variant replaces alanine with valine at codon 1019 of the BRIP1 protein. Computational prediction suggests that this variant may not impact protein structure and function. To our knowledge, functional studies have not been reported for this variant. This variant has not been reported in individuals affected with BRIP1-related disorders in the literature. This variant has not been identified in the general population by the Genome Aggregation Database (gnomAD). The available evidence is insufficient to determine the role of this variant in disease conclusively. Therefore, this variant is classified as a Variant of Uncertain Significance.

NM_032043.3(BRIP1):c.3056C>T (p.Ala1019Val)

Gene: BRIP1 (BRCA1 interacting DNA helicase 1; minus strand). Cytogenetic location: 17q23.2.
Variant type: single nucleotide variant.
Coding change: c.3056C>T on transcript NM_032043.3 (MANE Select); coding-DNA position 3056, C replaced by T.
Protein change: p.Ala1019Val; replaces alanine 1019 with valine.
Molecular consequence: missense variant.
Genome position (GRCh38, 1-based): chr17:61,683,990, G>A on the plus strand (C>T on the coding strand, the complement: BRIP1 is on the minus strand). VCF-style: chr17-61683990-G-A. GRCh37 (hg19) VCF-style: chr17-59761351-G-A.
Other names: short protein forms A1019V.
Identifiers: ClinVar variation 479420 (VCV000479420.18), dbSNP rs1555572884, ClinGen allele CA400479898.
Genomic context (GRCh38, chr17:61,683,990, plus strand): 5'-TCTGTTTTGAAACGGGGAGGACTAGAGGCACTATTCTCTGATGACCCGAGCTCAGGTGTT[G>A]CCTTCGGTATTTTACCAGTAAAATACTGTCCCAAAGAATTAAAGCTTGACCAGCTAACTC-3'
Protein context (NP_114432.2, residues 1009-1029): GQYFTGKIPK[Ala1019Val]TPELGSSENS